The following is an entry in ClinVar:

ClinVar aggregate classification (germline): Conflicting classifications of pathogenicity. Review status: criteria provided, conflicting classifications (1 of 4 stars). 7 submissions from 7 submitters: Uncertain significance (5); Likely benign (1). 1 of the submissions does not count toward it. Last evaluated 2024-12-06.

Conditions:
Cardiovascular phenotype. Identifiers: MedGen CN230736.
Alstrom syndrome (ALMS). Identifiers: Orphanet 64, MedGen C0268425, MONDO:0008763, OMIM 203800.

Allele frequency attached by ClinVar (database versions not stated): TOPMed 0.00002; gnomAD 0.00005 and 0.00006; ESP Exome Variant Server 0.00008; ExAC 0.00009; gnomAD exomes 0.00010; 1000 Genomes Project 30x 0.00016; 1000 Genomes Project 0.00020.
gnomAD v4.1: 113 of 1,614,004 alleles (0.007%); highest among the groups gnomAD compares: Admixed American, 0.048%; no homozygotes.

Submissions (7):

Ambry Genetics
Classification: Likely benign for Cardiovascular phenotype. Last evaluated: 2024-12-06. Review status: criteria provided, single submitter. Criteria: Ambry Variant Classification Scheme 2023. Collection method: clinical testing. Allele origin: germline.

Women's Health and Genetics/Laboratory Corporation of America, LabCorp
Classification: Uncertain significance. Last evaluated: 2024-05-28. Review status: criteria provided, single submitter. Criteria: LabCorp Variant Classification Summary - May 2015. Collection method: clinical testing. Allele origin: germline.
Comment: Variant summary: ALMS1 c.5824C>T (p.Arg1942Cys) results in a non-conservative amino acid change in the encoded protein sequence. Three of five in-silico tools predict a benign effect of the variant on protein function. The variant allele was found at a frequency of 0.0001 in 248988 control chromosomes. This frequency is not significantly higher than estimated for a pathogenic variant in ALMS1 causing Alstrom Syndrome (0.0001 vs 0.0014), allowing no conclusion about variant significance. To our knowledge, no occurrence of c.5824C>T in individuals affected with Alstrom Syndrome and no experimental evidence demonstrating its impact on protein function have been reported. ClinVar contains an entry for this variant (Variation ID: 393252). Based on the evidence outlined above, the variant was classified as uncertain significance.

Labcorp Genetics (formerly Invitae), Labcorp
Classification: Uncertain significance for Alstrom syndrome. Last evaluated: 2022-10-03. Review status: criteria provided, single submitter. Criteria: Invitae Variant Classification Sherloc (09022015). Collection method: clinical testing. Allele origin: germline.
Comment: This sequence change replaces arginine, which is basic and polar, with cysteine, which is neutral and slightly polar, at codon 1944 of the ALMS1 protein (p.Arg1944Cys). This variant is present in population databases (rs370398704, gnomAD 0.08%). This variant has not been reported in the literature in individuals affected with ALMS1-related conditions. ClinVar contains an entry for this variant (Variation ID: 393252). In summary, the available evidence is currently insufficient to determine the role of this variant in disease. Therefore, it has been classified as a Variant of Uncertain Significance.

Blueprint Genetics
Classification: Uncertain significance. Last evaluated: 2022-07-20. Review status: criteria provided, single submitter. Criteria: ACMG Guidelines, 2015. Collection method: clinical testing. Allele origin: germline.

Fulgent Genetics
Classification: Uncertain significance for Alstrom syndrome. Last evaluated: 2021-10-20. Review status: criteria provided, single submitter. Criteria: ACMG Guidelines, 2015. Collection method: clinical testing. Allele origin: unknown.

GeneDx
Classification: Uncertain significance. Last evaluated: 2019-06-25. Review status: criteria provided, single submitter. Criteria: GeneDx Variant Classification Process June 2021. Collection method: clinical testing. Allele origin: germline. Affected: yes.
Comment: In silico analysis, which includes protein predictors and evolutionary conservation, supports that this variant does not alter protein structure/function; Has not been previously published as pathogenic or benign to our knowledge; Reported in ClinVar but additional evidence is not available (ClinVar Variant ID# 393252; Landrum et al., 2016)

Natera, Inc.
Classification: Likely benign for Alstrom syndrome. Last evaluated: 2019-12-17. Review status: no assertion criteria provided. Collection method: clinical testing. Allele origin: germline. Not counted in ClinVar's aggregate classification.

NM_001378454.1(ALMS1):c.5827C>T (p.Arg1943Cys)

Gene: ALMS1 (ALMS1 centrosome and basal body associated protein; plus strand). Cytogenetic location: 2p13.1.
Variant type: single nucleotide variant.
Coding change: c.5827C>T on transcript NM_001378454.1 (MANE Select); coding-DNA position 5827, C replaced by T.
Protein change: p.Arg1943Cys; replaces arginine 1943 with cysteine.
Molecular consequence: missense variant.
Genome position (GRCh38, 1-based): chr2:73,452,354, C>T. VCF-style: chr2-73452354-C-T. GRCh37 (hg19) VCF-style: chr2-73679481-C-T.
Other names: c.5830C>T, p.Arg1944Cys (NM_015120.4); short protein forms R1944C, R1943C.
Identifiers: ClinVar variation 393252 (VCV000393252.14), dbSNP rs370398704, ClinGen allele CA1713946.
Genomic context (GRCh38, chr2:73,452,354, plus strand): 5'-GTTCCTGGACAAGGTGACCGGAAGACTGAGATACCAACAGTACCTTTAAGTTACTACTCA[C>T]GTAGAGAGAAGCCCAGTGTTATCTCTCAACAGGAGTTGCCAGACAGTCATCTCACAGAAG-3'
Protein context (NP_001365383.1, residues 1933-1953): IPTVPLSYYS[Arg1943Cys]REKPSVISQQ